The following is an entry in ClinVar:

NM_006371.5(CRTAP):c.687G>A (p.Met229Ile)

Gene: CRTAP (cartilage associated protein; plus strand). Cytogenetic location: 3p22.3.
Variant type: single nucleotide variant.
Coding change: c.687G>A on transcript NM_006371.5 (MANE Select); coding-DNA position 687, G replaced by A.
Protein change: p.Met229Ile; replaces methionine 229 with isoleucine.
Molecular consequence: missense variant.
Genome position (GRCh38, 1-based): chr3:33,124,473, G>A. VCF-style: chr3-33124473-G-A. GRCh37 (hg19) VCF-style: chr3-33165965-G-A.
Other names: c.687G>A, p.Met229Ile (NM_001393363.1, NM_001393364.1); c.537G>A, p.Met179Ile (NM_001393365.1); short protein forms M179I, M229I.
Identifiers: ClinVar variation 2416360 (VCV002416360.3), dbSNP rs2030000452, ClinGen allele CA352009404.

ClinVar aggregate classification (germline): Uncertain significance. Review status: criteria provided, multiple submitters, no conflicts (2 of 4 stars). 2 submissions from 2 submitters: Uncertain significance (2). Last evaluated 2025-12-02.

Conditions:
Inborn genetic diseases. Identifiers: MedGen C0950123, MeSH D030342.
Osteogenesis imperfecta type 7 (OI7). Also called: OSTEOGENESIS IMPERFECTA, TYPE IIB; Osteogenesis imperfecta type 2B; OI type 2B; Osteogenesis imperfecta, perinatal lethal autosomal recessive; OI type IIB; OI type 7. Identifiers: MedGen C1853162, MONDO:0012536, OMIM 610682.

Allele frequency attached by ClinVar (database versions not stated): gnomAD exomes below 0.00001; TOPMed below 0.00001.
gnomAD v4.1: 1 of 1,614,238 alleles (0.000062%); highest among the groups gnomAD compares: Non-Finnish European, 0.000085%; no homozygotes.

Submissions (2):

Ambry Genetics
Classification: Uncertain significance for Inborn genetic diseases. Last evaluated: 2025-12-02. Review status: criteria provided, single submitter. Criteria: Ambry Variant Classification Scheme 2023. Collection method: clinical testing. Allele origin: germline.

Labcorp Genetics (formerly Invitae), Labcorp
Classification: Uncertain significance for Osteogenesis imperfecta type 7. Last evaluated: 2022-05-11. Review status: criteria provided, single submitter. Criteria: Invitae Variant Classification Sherloc (09022015). Collection method: clinical testing. Allele origin: germline.
Comment: This sequence change replaces methionine, which is neutral and non-polar, with isoleucine, which is neutral and non-polar, at codon 229 of the CRTAP protein (p.Met229Ile). This variant is not present in population databases (gnomAD no frequency). This variant has not been reported in the literature in individuals affected with CRTAP-related conditions. Algorithms developed to predict the effect of missense changes on protein structure and function are either unavailable or do not agree on the potential impact of this missense change (SIFT: "Tolerated"; PolyPhen-2: "Possibly Damaging"; Align-GVGD: "Class C0"). In summary, the available evidence is currently insufficient to determine the role of this variant in disease. Therefore, it has been classified as a Variant of Uncertain Significance.